The following is an entry in ClinVar:

ClinVar aggregate classification (germline): Pathogenic (1 of 4 stars; one submission).

Conditions:
X-linked agammaglobulinemia with growth hormone deficiency (IGHD3). Also called: ISOLATED GROWTH HORMONE DEFICIENCY, TYPE III, WITH AGAMMAGLOBULINEMIA; FLEISHER SYNDROME; HYPOGAMMAGLOBULINEMIA AND ISOLATED GROWTH HORMONE DEFICIENCY, X-LINKED; IGHD III; AGAMMAGLOBULINEMIA AND ISOLATED GROWTH HORMONE DEFICIENCY, X-LINKED; Isolated growth hormone deficiency type 3. Identifiers: Orphanet 231692, Orphanet 631, MedGen C0472813, MONDO:0010615, OMIM 307200.

Submission:

Labcorp Genetics (formerly Invitae), Labcorp
Classification: Pathogenic for X-linked agammaglobulinemia with growth hormone deficiency. Last evaluated: 2021-01-13. Review status: criteria provided, single submitter. Criteria: Invitae Variant Classification Sherloc (09022015). Collection method: clinical testing. Allele origin: germline.
Comment: For these reasons, this variant has been classified as Pathogenic. This variant has not been reported in the literature in individuals with BTK-related conditions. This variant is not present in population databases (ExAC no frequency). This sequence change creates a premature translational stop signal (p.Asp548Hisfs*21) in the BTK gene. It is expected to result in an absent or disrupted protein product. Loss-of-function variants in BTK are known to be pathogenic (PMID: 15661032, 16862044, 19419768).

Literature cited by the submitters: PubMed 15661032; PubMed 16862044; PubMed 19419768.

NM_000061.3(BTK):c.1641_1651del (p.Asp548fs)

Gene: BTK (Bruton tyrosine kinase; minus strand). Cytogenetic location: Xq22.1.
Variant type: Deletion.
Coding change: c.1641_1651del on transcript NM_000061.3 (MANE Select); coding-DNA positions 1641 to 1651, 11 bases deleted (GGATGATGAAT).
Protein change: p.Asp548fs; shifts the reading frame from aspartic acid 548.
Molecular consequence: frameshift variant.
Genome position (GRCh38, 1-based): chrX:101,353,969-101,353,979, ATTCATCATCC deleted on the plus strand (GGATGATGAAT on the coding strand, the reverse complement: BTK is on the minus strand); deleting any 11 consecutive bases within chrX:101,353,969-101,353,980 gives the same sequence; the c. name uses the placement nearest the transcript's 3' end. VCF-style (leftmost placement, unchanged base first): chrX-101353968-TATTCATCATCC-T. GRCh37 (hg19) VCF-style: chrX-100608956-TATTCATCATCC-T.
Other names: c.1743_1753del, p.Asp582fs (NM_001287344.2); c.1113_1123del, p.Asp372fs (NM_001287345.2); short protein forms D582fs, D548fs, D372fs.
Identifiers: ClinVar variation 1452984 (VCV001452984.6), dbSNP rs2147425053, ClinGen allele CA2573159065.